The following is an entry in ClinVar:

ClinVar aggregate classification (germline): Uncertain significance (1 of 4 stars; one submission).

Conditions:
Kabuki syndrome. Also called: NIIKAWA-KUROKI SYNDROME; Kabuki make-up syndrome. Identifiers: Orphanet 2322, MedGen C0796004, MONDO:0016512.

Submission:

Labcorp Genetics (formerly Invitae), Labcorp
Classification: Uncertain significance for Kabuki syndrome. Last evaluated: 2025-01-19. Review status: criteria provided, single submitter. Criteria: Invitae Variant Classification Sherloc (09022015). Collection method: clinical testing. Allele origin: germline.
Comment: This sequence change replaces proline, which is neutral and non-polar, with serine, which is neutral and polar, at codon 5285 of the KMT2D protein (p.Pro5285Ser). This variant is not present in population databases (gnomAD no frequency). This variant has not been reported in the literature in individuals affected with KMT2D-related conditions. Invitae Evidence Modeling of protein sequence and biophysical properties (such as structural, functional, and spatial information, amino acid conservation, physicochemical variation, residue mobility, and thermodynamic stability) indicates that this missense variant is not expected to disrupt KMT2D protein function with a negative predictive value of 95%. In summary, the available evidence is currently insufficient to determine the role of this variant in disease. Therefore, it has been classified as a Variant of Uncertain Significance.

NM_003482.4(KMT2D):c.15853C>T (p.Pro5285Ser)

Gene: KMT2D (lysine methyltransferase 2D; minus strand). Cytogenetic location: 12q13.12.
Variant type: single nucleotide variant.
Coding change: c.15853C>T on transcript NM_003482.4 (MANE Select); coding-DNA position 15853, C replaced by T.
Protein change: p.Pro5285Ser; replaces proline 5285 with serine.
Molecular consequence: missense variant.
Genome position (GRCh38, 1-based): chr12:49,024,878, G>A on the plus strand (C>T on the coding strand, the complement: KMT2D is on the minus strand). VCF-style: chr12-49024878-G-A. GRCh37 (hg19) VCF-style: chr12-49418661-G-A.
Other names: short protein forms P5285S.
Identifiers: ClinVar variation 3635085 (VCV003635085.2).
Genomic context (GRCh38, chr12:49,024,878, plus strand): 5'-CTATGCGAAGCACGGCATGCACCGTCAGCCCAAAGAGCTCCTCGCCCTTCAGATACTCAG[G>A]GAAGAGTCGCAGCATGTCAGCCTCTTTTCTCATGGCAGCCACAGGCTCAATGATGCGATT-3'
Protein context (NP_003473.3, residues 5275-5295): RKEADMLRLF[Pro5285Ser]EYLKGEELFG